The following is an entry in ClinVar:

ClinVar aggregate classification (germline): Uncertain significance (1 of 4 stars; one submission).

Conditions:
Severe combined immunodeficiency due to DNA-PKcs deficiency. Also called: Immunodeficiency 26 with or without neurologic abnormalities; IMMUNODEFICIENCY 26 WITH NEUROLOGIC ABNORMALITIES. Identifiers: Orphanet 317425, MedGen C4014833, MONDO:0014423, OMIM 615966.

Submission:

Labcorp Genetics (formerly Invitae), Labcorp
Classification: Uncertain significance for Severe combined immunodeficiency due to DNA-PKcs deficiency. Last evaluated: 2024-11-18. Review status: criteria provided, single submitter. Criteria: Invitae Variant Classification Sherloc (09022015). Collection method: clinical testing. Allele origin: germline.
Comment: This sequence change replaces methionine, which is neutral and non-polar, with leucine, which is neutral and non-polar, at codon 2126 of the PRKDC protein (p.Met2126Leu). This variant is not present in population databases (gnomAD no frequency). This variant has not been reported in the literature in individuals affected with PRKDC-related conditions. ClinVar contains an entry for this variant (Variation ID: 2114172). Invitae Evidence Modeling of protein sequence and biophysical properties (such as structural, functional, and spatial information, amino acid conservation, physicochemical variation, residue mobility, and thermodynamic stability) indicates that this missense variant is expected to disrupt PRKDC protein function with a positive predictive value of 80%. In summary, the available evidence is currently insufficient to determine the role of this variant in disease. Therefore, it has been classified as a Variant of Uncertain Significance.

NM_006904.7(PRKDC):c.6376A>C (p.Met2126Leu)

Gene: PRKDC (protein kinase, DNA-activated, catalytic subunit; minus strand). Cytogenetic location: 8q11.21.
Variant type: single nucleotide variant.
Coding change: c.6376A>C on transcript NM_006904.7 (MANE Select); coding-DNA position 6376, A replaced by C.
Protein change: p.Met2126Leu; replaces methionine 2126 with leucine.
Molecular consequence: missense variant.
Genome position (GRCh38, 1-based): chr8:47,858,605, T>G on the plus strand (A>C on the coding strand, the complement: PRKDC is on the minus strand). VCF-style: chr8-47858605-T-G. GRCh37 (hg19) VCF-style: chr8-48771166-T-G.
Other names: c.6376A>C, p.Met2126Leu (NM_001081640.2); short protein forms M2126L.
Identifiers: ClinVar variation 2114172 (VCV002114172.4), dbSNP rs2551869988, ClinGen allele CA371160730.